The following is an entry in ClinVar:

NM_000059.4(BRCA2):c.5199C>T (p.Ser1733=)

Gene: BRCA2 (BRCA2 DNA repair associated; plus strand). Cytogenetic location: 13q13.1.
Variant type: single nucleotide variant.
Coding change: c.5199C>T on transcript NM_000059.4 (MANE Select); coding-DNA position 5199, C replaced by T.
Protein change: p.Ser1733=; no amino-acid change (serine 1733 retained).
Molecular consequence: synonymous variant.
Genome position (GRCh38, 1-based): chr13:32,339,554, C>T. VCF-style: chr13-32339554-C-T. GRCh37 (hg19) VCF-style: chr13-32913691-C-T.
Other names: 5427C/T; p.S1733S:TCC>TCT; S1733S; NP_000050.3:p.Ser1733=; 5427C>T.
Identifiers: ClinVar variation 51813 (VCV000051813.113), dbSNP rs28897734, ClinGen allele CA021671.

ClinVar aggregate classification (germline): Benign. Review status: reviewed by expert panel (3 of 4 stars). 38 submissions from 37 submitters: Benign (1). 37 of the submissions do not count toward it. Last evaluated 2017-06-29.

Conditions:
Hereditary cancer-predisposing syndrome. Also called: Neoplastic Syndromes, Hereditary; Tumor predisposition; Hereditary Cancer Syndrome; Hereditary neoplastic syndrome. Identifiers: Orphanet 140162, MedGen C0027672, MeSH D009386, MONDO:0015356.
Breast and/or ovarian cancer. Identifiers: MedGen CN221562.
Glioma susceptibility 3 (GLM3). Also called: Glioblastoma 3. Identifiers: Orphanet 182067, Orphanet 360, MedGen C2751641, MONDO:0013093, OMIM 613029.
Wilms tumor 1 (WT1). Also called: Wilms tumor, somatic. Identifiers: Orphanet 654, MedGen CN033288, MONDO:0008679, OMIM 194070.
Familial cancer of breast. Also called: Hereditary breast cancer; BREAST CANCER, FAMILIAL; hereditary breast carcinoma. Identifiers: Orphanet 227535, MedGen C0346153, MONDO:0016419, OMIM 114480. Disease mechanism: loss of function.
Prostate cancer. Also called: Malignant tumor of prostate. Identifiers: Orphanet 1331, MedGen C0376358, MONDO:0008315, HP:0012125.
Breast-ovarian cancer, familial, susceptibility to, 2 (BROVCA2). Also called: BRCA2 Hereditary Breast and Ovarian Cancer. Identifiers: Orphanet 145, MedGen C2675520, MONDO:0012933, OMIM 612555. Disease mechanism: loss of function.
Fanconi anemia complementation group D1. Also called: BRCA2-Related Fanconi Anemia. Identifiers: Orphanet 319462, MedGen C1838457, MONDO:0011584, OMIM 605724.
Medulloblastoma (MDB). Also called: Medulloblastoma, somatic; MEDULLOBLASTOMA PREDISPOSITION SYNDROME. Identifiers: Orphanet 616, MedGen C0025149, MeSH D008527, MONDO:0007959, OMIM 155255, HP:0002885.
Pancreatic cancer, susceptibility to, 2. Identifiers: Orphanet 1333, MedGen C3150546, MONDO:0013235, OMIM 613347.
Hereditary breast ovarian cancer syndrome. Also called: Hereditary breast and/or ovarian cancer syndrome; Hereditary breast and ovarian cancer syndrome; Hereditary breast and ovarian cancer; Hereditary breast and ovarian cancer syndrome (HBOC); Breast and ovarian cancer; BRCA1- and BRCA2-Associated Hereditary Breast and Ovarian Cancer. Identifiers: Orphanet 145, MedGen C0677776, MeSH D061325, MONDO:0003582. Disease mechanism: loss of function.

Allele frequency attached by ClinVar (database versions not stated): ExAC 0.00450; gnomAD exomes 0.00451; gnomAD 0.00488; 1000 Genomes Project 0.00160; 1000 Genomes Project 30x 0.00187; TOPMed 0.00369; ESP Exome Variant Server 0.00385.
gnomAD v4.1: 8,034 of 1,607,272 alleles (0.5%); highest among the groups gnomAD compares: Non-Finnish European, 0.56%; 50 homozygotes.

Submissions 1 to 19 of 38:

Evidence-based Network for the Interpretation of Germline Mutant Alleles (ENIGMA)
Classification: Benign for Breast-ovarian cancer, familial, susceptibility to, 2. Last evaluated: 2017-06-29. Review status: reviewed by expert panel. Criteria: ENIGMA BRCA1/2 Classification Criteria (2017-06-29). Collection method: curation. Allele origin: germline.
Comment: Class 1 not pathogenic based on frequency >1% in an outbred sampleset. Frequency 0.0109 (Finnish), derived from ExAC (2014-12-17).

CeGaT Center for Human Genetics Tuebingen
Classification: Likely benign. Last evaluated: 2026-08-01. Review status: criteria provided, single submitter. Criteria: CeGaT Center For Human Genetics Tuebingen Variant Classification Criteria Version 2. Collection method: clinical testing. Allele origin: germline. Affected: yes. Observed: 139 variant alleles. Not counted in ClinVar's aggregate classification.
Comment: BRCA2: BP4, BP7, BS2

Labcorp Genetics (formerly Invitae), Labcorp
Classification: Benign for Hereditary breast ovarian cancer syndrome. Last evaluated: 2026-02-04. Review status: criteria provided, single submitter. Criteria: Invitae Variant Classification Sherloc (09022015). Collection method: clinical testing. Allele origin: germline. Not counted in ClinVar's aggregate classification.

Dasa
Classification: Benign for Breast-ovarian cancer, familial, susceptibility to, 2. Last evaluated: 2026-02-03. Review status: criteria provided, single submitter. Criteria: DASA Assertion Criteria. Collection method: clinical testing. Allele origin: germline. Not counted in ClinVar's aggregate classification.
Comment: NM_000059.4(BRCA2):c.5199C>T (p.Ser1733=) is interpreted as benign based on a combination of available evidence, which may include population frequency, observations in unaffected individuals, intact protein function, lack of segregation with disease, in silico models, amino acid conservation, lack of disease association in case-control studies, and/or inconsistency with the known disease mechanism or impacted region. Based on the available data, this variant is classified as benign.

ARUP Laboratories, Molecular Genetics and Genomics, ARUP Laboratories
Classification: Benign. Last evaluated: 2025-06-27. Review status: criteria provided, single submitter. Criteria: ARUP Molecular Germline Variant Investigation Process 2024. Collection method: clinical testing. Allele origin: germline. Not counted in ClinVar's aggregate classification.

Center for Genomic Medicine, Rigshospitalet, Copenhagen University Hospital
Classification: Benign. Last evaluated: 2025-03-04. Review status: criteria provided, single submitter. Criteria: ACMG Guidelines, 2015. Collection method: clinical testing. Allele origin: germline. Not counted in ClinVar's aggregate classification.

Blueprint Genetics
Classification: Benign. Last evaluated: 2024-11-27. Review status: criteria provided, single submitter. Criteria: ACMG Guidelines, 2015. Collection method: clinical testing. Allele origin: germline. Not counted in ClinVar's aggregate classification.

Fulgent Genetics
Classification: Likely benign for Familial cancer of breast; Medulloblastoma; Familial prostate cancer; Wilms tumor 1; Fanconi anemia complementation group D1; Breast-ovarian cancer, familial, susceptibility to, 2; Glioma susceptibility 3; Pancreatic cancer, susceptibility to, 2. Last evaluated: 2022-05-17. Review status: criteria provided, single submitter. Criteria: ACMG Guidelines, 2015. Collection method: clinical testing. Allele origin: unknown. Not counted in ClinVar's aggregate classification.

National Health Laboratory Service, Universitas Academic Hospital and University of the Free State
Classification: Benign for Hereditary breast ovarian cancer syndrome. Last evaluated: 2022-04-19. Review status: criteria provided, single submitter. Criteria: ACMG Guidelines, 2015. Collection method: clinical testing. Allele origin: germline. Affected: yes. Observed: 3 variant alleles. Not counted in ClinVar's aggregate classification.

Institute for Clinical Genetics, University Hospital TU Dresden, University Hospital TU Dresden
Classification: Benign. Last evaluated: 2021-11-03. Review status: criteria provided, single submitter. Criteria: ACMG Guidelines, 2015. Collection method: clinical testing. Allele origin: germline. Not counted in ClinVar's aggregate classification.

Sema4
Classification: Benign for Hereditary cancer-predisposing syndrome. Last evaluated: 2020-01-30. Review status: criteria provided, single submitter. Criteria: Sema4 Curation Guidelines. Collection method: curation. Allele origin: germline. Not counted in ClinVar's aggregate classification.

Illumina Laboratory Services, Illumina
Classification: Likely benign for Breast-ovarian cancer, familial, susceptibility to, 2. Last evaluated: 2018-03-20. Review status: criteria provided, single submitter. Criteria: ICSL Variant Classification Criteria 13 December 2019. Collection method: clinical testing. Allele origin: germline. Not counted in ClinVar's aggregate classification.
Comment: This variant was observed as part of a predisposition screen in an ostensibly healthy population. A literature search was performed for the gene, cDNA change, and amino acid change (where applicable). No publications were found based on this search. Allele frequency data from public databases allowed determination this variant is unlikely to cause disease. Therefore, this variant is classified as likely benign.

Illumina Laboratory Services, Illumina
Classification: Likely benign for Fanconi anemia complementation group D1. Last evaluated: 2018-03-20. Review status: criteria provided, single submitter. Criteria: ICSL Variant Classification Criteria 13 December 2019. Collection method: clinical testing. Allele origin: germline. Not counted in ClinVar's aggregate classification.
Comment: the same text as in the submission from Illumina Laboratory Services, Illumina above.

Department of Pathology and Molecular Medicine, Queen's University
Classification: Benign. Last evaluated: 2017-04-20. Review status: criteria provided, single submitter. Criteria: ACMG Guidelines, 2015. Collection method: clinical testing. Allele origin: germline. Study: The Canadian Open Genetics Repository (COGR). Not counted in ClinVar's aggregate classification.

Cancer Genetics and Genomics Laboratory, British Columbia Cancer Agency
Classification: Benign. Last evaluated: 2017-04-18. Review status: criteria provided, single submitter. Criteria: ACMG Guidelines, 2015. Collection method: clinical testing. Allele origin: germline. Study: The Canadian Open Genetics Repository (COGR). Not counted in ClinVar's aggregate classification.

Baylor Genetics
Classification: Benign for Familial cancer of breast. Last evaluated: 2017-02-23. Review status: criteria provided, single submitter. Criteria: ACMG Guidelines, 2015. Collection method: clinical testing. Allele origin: germline. Inheritance: Autosomal dominant inheritance. Affected: no. Not counted in ClinVar's aggregate classification.

PreventionGenetics, part of Exact Sciences
Classification: Benign. Last evaluated: 2017-02-02. Review status: criteria provided, single submitter. Criteria: ACMG Guidelines, 2015. Collection method: clinical testing. Allele origin: germline. Not counted in ClinVar's aggregate classification.

CHEO Genetics Diagnostic Laboratory, Children's Hospital of Eastern Ontario
Classification: Benign for Breast and/or ovarian cancer. Last evaluated: 2016-11-11. Review status: criteria provided, single submitter. Criteria: ACMG Guidelines, 2015. Collection method: clinical testing. Allele origin: germline. Study: Canadian Open Genetics Repository. Not counted in ClinVar's aggregate classification.

Laboratory for Molecular Medicine, Mass General Brigham Personalized Medicine
Classification: Benign. Last evaluated: 2016-05-23. Review status: criteria provided, single submitter. Criteria: LMM Criteria. Collection method: clinical testing. Allele origin: germline. Observed: 1 variant allele. Not counted in ClinVar's aggregate classification.
Comment: p.Ser1733Ser in exon 11 of BRCA2: This variant is not expected to have clinical significance because it does not alter an amino acid residue, is not located wit hin the splice consensus sequence, and has been identified in 1.09% (72/6606) of Finnish chromosomes by the Exome Aggregation Consortium (ExAC; dbSNP rs28897734).